The following is an entry in ClinVar:

ClinVar aggregate classification (germline): Conflicting classifications of pathogenicity. Review status: criteria provided, conflicting classifications (1 of 4 stars). 2 submissions from 2 submitters: Uncertain significance (1); Likely benign (1). Last evaluated 2025-11-22.

Conditions:
Cardiovascular phenotype. Identifiers: MedGen CN230736.
Dilated cardiomyopathy 1O (CMD1O). Also called: CARDIOMYOPATHY, DILATED, WITH VENTRICULAR TACHYCARDIA. Identifiers: Orphanet 154, MedGen C1837839, MONDO:0012062, OMIM 608569.

Allele frequency attached by ClinVar (database versions not stated): gnomAD exomes 0.00004 and 0.00006; gnomAD 0.00005 and 0.00006; ExAC 0.00003; TOPMed 0.00008; ESP Exome Variant Server 0.00023.
gnomAD v4.1: 79 of 1,613,198 alleles (0.0049%); highest among the groups gnomAD compares: Non-Finnish European, 0.0015%; no homozygotes.

Submissions (2):

Labcorp Genetics (formerly Invitae), Labcorp
Classification: Likely benign for Dilated cardiomyopathy 1O. Last evaluated: 2025-11-22. Review status: criteria provided, single submitter. Criteria: Invitae Variant Classification Sherloc (09022015). Collection method: clinical testing. Allele origin: germline.

Ambry Genetics
Classification: Uncertain significance for Cardiovascular phenotype. Last evaluated: 2019-06-26. Review status: criteria provided, single submitter. Criteria: Ambry Variant Classification Scheme 2023. Collection method: clinical testing. Allele origin: germline.
Comment: The p.D928E variant (also known as c.2784C>G), located in coding exon 23 of the ABCC9 gene, results from a C to G substitution at nucleotide position 2784. The aspartic acid at codon 928 is replaced by glutamic acid, an amino acid with highly similar properties. This amino acid position is highly conserved in available vertebrate species. In addition, this alteration is predicted to be tolerated by in silico analysis. Since supporting evidence is limited at this time, the clinical significance of this alteration remains unclear.

NM_020297.4(ABCC9):c.2784C>G (p.Asp928Glu)

Gene: ABCC9 (ATP binding cassette subfamily C member 9; minus strand). Cytogenetic location: 12p12.1.
Variant type: single nucleotide variant.
Coding change: c.2784C>G on transcript NM_020297.4 (MANE Select); coding-DNA position 2784, C replaced by G.
Protein change: p.Asp928Glu; replaces aspartic acid 928 with glutamic acid.
Molecular consequence: missense variant.
Genome position (GRCh38, 1-based): chr12:21,848,232, G>C on the plus strand (C>G on the coding strand, the complement: ABCC9 is on the minus strand). VCF-style: chr12-21848232-G-C. GRCh37 (hg19) VCF-style: chr12-22001166-G-C.
Other names: c.2784C>G, p.Asp928Glu (NM_001377273.1, NM_005691.4); c.1917C>G, p.Asp639Glu (NM_001377274.1); short protein forms D928E, D639E.
Identifiers: ClinVar variation 464661 (VCV000464661.13), dbSNP rs139472403, ClinGen allele CA6481273.
Genomic context (GRCh38, chr12:21,848,232, plus strand): 5'-GGCTTTGGCTTCTCTTGAATACATGGCCCGTCGGAGAGTTTTCCTCTCTAAAGTAGTTTG[G>C]TCAGCTTCCATATCCTGCAGTAAACATTGTACTATCATGCAAGGAGCTAACACCAATAGG-3'
Protein context (NP_064693.2, residues 918-938): DQELEKDMEA[Asp928Glu]QTTLERKTLR